The following is an entry in ClinVar:

NM_000540.3(RYR1):c.11746A>G (p.Ile3916Val)

Gene: RYR1 (ryanodine receptor 1; plus strand). Cytogenetic location: 19q13.2.
Variant type: single nucleotide variant.
Coding change: c.11746A>G on transcript NM_000540.3 (MANE Select); coding-DNA position 11746, A replaced by G.
Protein change: p.Ile3916Val; replaces isoleucine 3916 with valine.
Molecular consequence: missense variant.
Genome position (GRCh38, 1-based): chr19:38,543,403, A>G. VCF-style: chr19-38543403-A-G. GRCh37 (hg19) VCF-style: chr19-39034043-A-G.
Other names: p.Ile3916Val; c.11746A>G (NM_000540.2); c.11731A>G, p.Ile3911Val (NM_001042723.2); short protein forms I3916V, I3911V.
Identifiers: ClinVar variation 1356085 (VCV001356085.6), dbSNP rs766503308, ClinGen allele CA057583.
Genomic context (GRCh38, chr19:38,543,403, plus strand): 5'-CCAGATTTCCAGAACTACCTACGGACACAGACAGGGAACACGACCACTATTAACATCATC[A>G]TTTGCACTGTGGACTACCTCCTGCGGCTGCAGGTGAGGACGTGAGACGGTTCAGGTGTGA-3'
Protein context (NP_000531.2, residues 3906-3926): TGNTTTINII[Ile3916Val]CTVDYLLRLQ

ClinVar aggregate classification (germline): Uncertain significance. Review status: criteria provided, multiple submitters, no conflicts (2 of 4 stars). 4 submissions from 4 submitters: Uncertain significance (4). Last evaluated 2025-09-04.

Conditions:
RYR1-related disorder. Also called: RYR1-related condition; RYR1-related disorders. Identifiers: MedGen CN239331.
Inborn genetic diseases. Identifiers: MedGen C0950123, MeSH D030342.
Malignant hyperthermia, susceptibility to, 1 (MHS1). Also called: RYR1-Related Malignant Hyperthermia Susceptibility; Malignant hyperthermia suceptibility 1; Anesthesia related hyperthermia; Malignant hyperpyrexia; Fulminating hyperpyrexia; Pharmacogenic myopathy. Identifiers: Orphanet 423, MedGen C2930980, MONDO:0007783, OMIM 145600.

Allele frequency attached by ClinVar (database versions not stated): TOPMed below 0.00001; ExAC 0.00001; gnomAD exomes 0.00001 and 0.00002.
gnomAD v4.1: 27 of 1,614,206 alleles (0.0017%); highest among the groups gnomAD compares: Non-Finnish European, 0.0021%; no homozygotes.

Submissions (4):

Color Diagnostics, LLC DBA Color Health
Classification: Uncertain significance for Malignant hyperthermia, susceptibility to, 1. Last evaluated: 2025-09-04. Review status: criteria provided, single submitter. Criteria: ACMG Guidelines, 2015. Collection method: clinical testing. Allele origin: germline.
Comment: This missense variant replaces isoleucine with valine at codon 3916 of the RYR1 protein. Computational prediction is inconclusive regarding the impact of this variant on protein structure and function. To our knowledge, functional studies have not been reported for this variant. This variant has not been reported in individuals affected with RYR1-related disorders in the literature. This variant has been identified in 2/251494 chromosomes in the general population by the Genome Aggregation Database (gnomAD). The available evidence is insufficient to determine the role of this variant in disease conclusively. Therefore, this variant is classified as a Variant of Uncertain Significance.

Ambry Genetics
Classification: Uncertain significance for Inborn genetic diseases. Last evaluated: 2024-10-01. Review status: criteria provided, single submitter. Criteria: Ambry Variant Classification Scheme 2023. Collection method: clinical testing. Allele origin: germline.

Mayo Clinic Laboratories, Mayo Clinic
Classification: Uncertain significance. Last evaluated: 2024-03-15. Review status: criteria provided, single submitter. Criteria: ACMG Guidelines, 2015. Collection method: clinical testing. Allele origin: germline. Observed: 1 variant allele.

Labcorp Genetics (formerly Invitae), Labcorp
Classification: Uncertain significance for RYR1-related disorder. Last evaluated: 2021-10-21. Review status: criteria provided, single submitter. Criteria: Invitae Variant Classification Sherloc (09022015). Collection method: clinical testing. Allele origin: germline.
Comment: This sequence change replaces isoleucine with valine at codon 3916 of the RYR1 protein (p.Ile3916Val). The isoleucine residue is moderately conserved and there is a small physicochemical difference between isoleucine and valine. This variant is present in population databases (rs766503308, ExAC 0.001%). This variant has not been reported in the literature in individuals affected with RYR1-related conditions. Advanced modeling of protein sequence and biophysical properties (such as structural, functional, and spatial information, amino acid conservation, physicochemical variation, residue mobility, and thermodynamic stability) performed at Invitae indicates that this missense variant is not expected to disrupt RYR1 protein function. In summary, the available evidence is currently insufficient to determine the role of this variant in disease. Therefore, it has been classified as a Variant of Uncertain Significance.